The following is an entry in ClinVar:

NM_002382.5(MAX):c.152C>T (p.Pro51Leu)

Genes: MAX (MYC associated transcriptional regulator X; minus strand), MAX-AS1 (MAX antisense RNA 1; plus strand). Cytogenetic location: 14q23.3.
Variant type: single nucleotide variant.
Coding change: c.152C>T on transcript NM_002382.5 (MANE Select); coding-DNA position 152, C replaced by T.
Protein change: p.Pro51Leu; replaces proline 51 with leucine.
Molecular consequence: missense variant. On other transcripts: non-coding transcript variant (1), 5 prime UTR variant (1).
Genome position (GRCh38, 1-based): chr14:65,093,727, G>A on the plus strand (C>T on the coding strand, the complement: MAX is on the minus strand). VCF-style: chr14-65093727-G-A. GRCh37 (hg19) VCF-style: chr14-65560445-G-A.
Other names: c.125C>T, p.Pro42Leu (NM_001271068.2, NM_001271069.2, NM_001407095.1 and 9 more transcripts); c.-123C>T (NM_001320415.2, NM_001407105.1, NM_001407106.1 and 1 more transcripts); c.152C>T, p.Pro51Leu (NM_001407094.1, NM_001407096.1, NM_001407097.1 and 5 more transcripts); c.-216C>T (NM_001407111.1, NM_001407112.1); c.175C>T, p.His59Tyr (NM_001407114.1); short protein forms P51L, P42L, H59Y.
Identifiers: ClinVar variation 1427485 (VCV001427485.8), dbSNP rs2139882999, ClinGen allele CA390037636.
Genomic context (GRCh38, chr14:65,093,727, plus strand): 5'-GCTAGTAGTGGCCAGCTACTCAGCTTTCTCAGGAAACTCACCTTCTCTCCTTGGAGTGAT[G>A]GGACTGAGTCCCGCAAACTGTGAAAGCTGTCTTTGATGTGGTCCCTACGTTTTCGTTCCA-3'
Protein context (NP_002373.3, residues 41-61): DSFHSLRDSV[Pro51Leu]SLQGEKASRA

ClinVar aggregate classification (germline): Uncertain significance. Review status: criteria provided, multiple submitters, no conflicts (2 of 4 stars). 2 submissions from 2 submitters: Uncertain significance (2). Last evaluated 2025-01-25.

Conditions:
Hereditary pheochromocytoma and paraganglioma. Also called: Hereditary paragangliomas and pheochromocytomas; Hereditary Paraganglioma-Pheochromocytoma Syndromes; Hereditary pheochromocytoma-paraganglioma. Identifiers: Orphanet 29072, MedGen C4274332, MONDO:0017366.
Hereditary cancer-predisposing syndrome. Also called: Tumor predisposition; Hereditary Cancer Syndrome; Hereditary neoplastic syndrome; Neoplastic Syndromes, Hereditary. Identifiers: Orphanet 140162, MedGen C0027672, MeSH D009386, MONDO:0015356.

Submissions (2):

Ambry Genetics
Classification: Uncertain significance for Hereditary cancer-predisposing syndrome. Last evaluated: 2025-01-25. Review status: criteria provided, single submitter. Criteria: Ambry Variant Classification Scheme 2023. Collection method: clinical testing. Allele origin: germline.
Comment: The p.P51L variant (also known as c.152C>T), located in coding exon 3 of the MAX gene, results from a C to T substitution at nucleotide position 152. The proline at codon 51 is replaced by leucine, an amino acid with similar properties. This amino acid position is conserved. In addition, this alteration is predicted to be deleterious by in silico analysis. Based on the available evidence, the clinical significance of this variant remains unclear.

Labcorp Genetics (formerly Invitae), Labcorp
Classification: Uncertain significance for Hereditary pheochromocytoma and paraganglioma. Last evaluated: 2021-11-15. Review status: criteria provided, single submitter. Criteria: Invitae Variant Classification Sherloc (09022015). Collection method: clinical testing. Allele origin: germline.
Comment: This sequence change replaces proline, which is neutral and non-polar, with leucine, which is neutral and non-polar, at codon 51 of the MAX protein (p.Pro51Leu). This variant is not present in population databases (gnomAD no frequency). This variant has not been reported in the literature in individuals affected with MAX-related conditions. Algorithms developed to predict the effect of missense changes on protein structure and function (SIFT, PolyPhen-2, Align-GVGD) all suggest that this variant is likely to be disruptive. In summary, the available evidence is currently insufficient to determine the role of this variant in disease. Therefore, it has been classified as a Variant of Uncertain Significance.